The following is an entry in ClinVar:

ClinVar aggregate classification (germline): Uncertain significance. Review status: criteria provided, multiple submitters, no conflicts (2 of 4 stars). 3 submissions from 3 submitters: Uncertain significance (2). 1 of the submissions does not count toward it. Last evaluated 2022-04-10.

Conditions:
TRIM32-related disorder. Also called: TRIM32-related condition.
Sarcotubular myopathy (LGMDR8). Also called: MUSCULAR DYSTROPHY, LIMB-GIRDLE, AUTOSOMAL RECESSIVE 8; Autosomal recessive limb-girdle muscular dystrophy type 2H; Hutterite type of muscular dystrophy; Limb-girdle muscular dystrophy, type 2H. Identifiers: Orphanet 1878, MedGen C0270968, MONDO:0009683, OMIM 254110.
Bardet-Biedl syndrome 11 (BBS11). Identifiers: Orphanet 110, MedGen C1859569, MONDO:0014439, OMIM 615988.
Bardet-Biedl syndrome (BBS). Identifiers: Orphanet 110, MedGen C0752166, MONDO:0015229.

gnomAD v4.1: 10 of 1,614,124 alleles (0.00062%); highest among the groups gnomAD compares: Admixed American, 0.005%; no homozygotes.

Submissions (3):

Labcorp Genetics (formerly Invitae), Labcorp
Classification: Uncertain significance for Bardet-Biedl syndrome. Last evaluated: 2022-04-10. Review status: criteria provided, single submitter. Criteria: Invitae Variant Classification Sherloc (09022015). Collection method: clinical testing. Allele origin: germline.
Comment: This sequence change replaces arginine, which is basic and polar, with glutamine, which is neutral and polar, at codon 165 of the TRIM32 protein (p.Arg165Gln). This variant is present in population databases (rs761591526, gnomAD 0.006%). This variant has not been reported in the literature in individuals affected with TRIM32-related conditions. Algorithms developed to predict the effect of missense changes on protein structure and function output the following: SIFT: "Tolerated"; PolyPhen-2: "Benign"; Align-GVGD: "Class C0". The glutamine amino acid residue is found in multiple mammalian species, which suggests that this missense change does not adversely affect protein function. In summary, the available evidence is currently insufficient to determine the role of this variant in disease. Therefore, it has been classified as a Variant of Uncertain Significance.

Fulgent Genetics
Classification: Uncertain significance for Sarcotubular myopathy; Bardet-Biedl syndrome 11. Last evaluated: 2022-02-17. Review status: criteria provided, single submitter. Criteria: ACMG Guidelines, 2015. Collection method: clinical testing. Allele origin: unknown.

PreventionGenetics, part of Exact Sciences
Classification: Uncertain significance for TRIM32-related condition. Last evaluated: 2024-08-20. Review status: no assertion criteria provided. Collection method: clinical testing. Allele origin: germline. Not counted in ClinVar's aggregate classification.
Comment: The TRIM32 c.494G>A variant is predicted to result in the amino acid substitution p.Arg165Gln. To our knowledge, this variant has not been reported in the literature. This variant is reported in 0.0087% of alleles in individuals of Latino descent in gnomAD. At this time, the clinical significance of this variant is uncertain due to the absence of conclusive functional and genetic evidence.

NM_012210.4(TRIM32):c.494G>A (p.Arg165Gln)

Genes: ASTN2 (astrotactin 2; minus strand), TRIM32 (tripartite motif containing 32; plus strand). Cytogenetic location: 9q33.1.
Variant type: single nucleotide variant.
Coding change: c.494G>A on transcript NM_012210.4 (MANE Select); coding-DNA position 494, G replaced by A.
Protein change: p.Arg165Gln; replaces arginine 165 with glutamine.
Molecular consequence: missense variant. On other transcripts: intron variant (3).
Genome position (GRCh38, 1-based): chr9:116,698,236, G>A. VCF-style: chr9-116698236-G-A. GRCh37 (hg19) VCF-style: chr9-119460515-G-A.
Other names: c.494G>A, p.Arg165Gln (NM_001099679.2, NM_001379048.1, NM_001379049.1 and 1 more transcripts); c.2653+27535C>T (NM_014010.5); c.2794+27535C>T (NM_001365069.1); c.2806+27535C>T (NM_001365068.1); short protein forms R165Q.
Identifiers: ClinVar variation 1424332 (VCV001424332.5), dbSNP rs761591526, ClinGen allele CA5210994.